The following is an entry in ClinVar:

ClinVar aggregate classification (germline): Uncertain significance (1 of 4 stars; one submission).

Conditions:
Inborn genetic diseases. Identifiers: MedGen C0950123, MeSH D030342.

Submission:

Ambry Genetics
Classification: Uncertain significance for Inborn genetic diseases. Last evaluated: 2025-03-10. Review status: criteria provided, single submitter. Criteria: Ambry Variant Classification Scheme 2023. Collection method: clinical testing. Allele origin: germline.
Comment: The p.S517R variant (also known as c.1549A>C), located in coding exon 8 of the MECOM gene, results from an A to C substitution at nucleotide position 1549. The serine at codon 517 is replaced by arginine, an amino acid with dissimilar properties. This amino acid position is conserved. In addition, this alteration is predicted to be tolerated by in silico analysis. Based on the available evidence, the clinical significance of this variant remains unclear.

NM_004991.4(MECOM):c.1549A>C (p.Ser517Arg)

Gene: MECOM (MDS1 and EVI1 complex locus; minus strand). Cytogenetic location: 3q26.2.
Variant type: single nucleotide variant.
Coding change: c.1549A>C on transcript NM_004991.4 (MANE Select); coding-DNA position 1549, A replaced by C.
Protein change: p.Ser517Arg; replaces serine 517 with arginine.
Molecular consequence: missense variant. On other transcripts: intron variant (2).
Genome position (GRCh38, 1-based): chr3:169,116,323, T>G on the plus strand (A>C on the coding strand, the complement: MECOM is on the minus strand). VCF-style: chr3-169116323-T-G. GRCh37 (hg19) VCF-style: chr3-168834111-T-G.
Other names: c.1180A>C, p.Ser394Arg (NM_001105077.4); c.985A>C, p.Ser329Arg (NM_001105078.4, NM_001164000.2, NM_001205194.2 and 4 more transcripts); c.988A>C, p.Ser330Arg (NM_001163999.2, NM_001366467.2, NM_001366468.2 and 1 more transcripts); c.1549A>C, p.Ser517Arg (NM_001366466.2); c.1133-556A>C (NM_001366473.2); c.569-556A>C (NM_001366474.2); short protein forms S394R, S329R, S517R, S330R.
Identifiers: ClinVar variation 3871898 (VCV003871898.1).
Genomic context (GRCh38, chr3:169,116,323, plus strand): 5'-CTGGCAGTATCTGAGGATGTGTCATGAGGGGACTTTGACTTTTGTTTGTCTGTTCAGTAC[T>G]TGATAGTCCTTTAACAGGAGAACTAGCAGGTATCAAAGGAGGCCTGTGGTACAAGCCGGA-3'
Protein context (NP_004982.2, residues 507-527): PASSPVKGLS[Ser517Arg]TEQTNKSQSP